The following is an entry in ClinVar:

NM_020354.5(ENTPD7):c.*4789T>C

Genes: ENTPD7 (ectonucleoside triphosphate diphosphohydrolase 7; plus strand), COX15 (cytochrome c oxidase assembly factor COX15; minus strand). Cytogenetic location: 10q24.2.
Variant type: single nucleotide variant.
Coding change: c.*4789T>C on transcript NM_020354.5 (MANE Select); 4789 bases downstream of the stop codon, T replaced by C.
Molecular consequence: 3 prime UTR variant. On other transcripts: intron variant (1).
Genome position (GRCh38, 1-based): chr10:99,709,472, T>C. VCF-style: chr10-99709472-T-C. GRCh37 (hg19) VCF-style: chr10-101469229-T-C.
Other names: c.*3942A>G (NM_004376.5); c.*5115A>G (NM_078470.4); c.*4789T>C (NM_001349962.2, NM_001349963.2); c.1101+6876A>G (NM_001320974.2).
Identifiers: ClinVar variation 878593 (VCV000878593.31), dbSNP rs148302095, ClinGen allele CA212819980.

ClinVar aggregate classification (germline): Conflicting classifications of pathogenicity. Review status: criteria provided, conflicting classifications (1 of 4 stars). 2 submissions from 2 submitters: Uncertain significance (1); Benign (1). Last evaluated 2023-05-01.

Conditions:
Leigh syndrome (NULS). Also called: Leigh's syndrome; Leigh Disease; Subacute necrotizing encephalopathy; Necrotizing encephalopathy infantile subacute of Leigh; LEIGH SYNDROME, NUCLEAR; Leigh's necrotizing encephalopathy. Identifiers: Orphanet 506, MedGen C2931891, MONDO:0009723, OMIM 256000.

Allele frequency attached by ClinVar (database versions not stated): TOPMed 0.00433; gnomAD 0.00449 and 0.00414; 1000 Genomes Project 30x 0.00671; 1000 Genomes Project 0.00599; gnomAD exomes 0.00310.
gnomAD v4.1: 3,341 of 985,402 alleles (0.34%); highest among the groups gnomAD compares: Middle Eastern, 2%; 19 homozygotes.

Submissions (2):

CeGaT Center for Human Genetics Tuebingen
Classification: Benign. Last evaluated: 2023-05-01. Review status: criteria provided, single submitter. Criteria: CeGaT Center For Human Genetics Tuebingen Variant Classification Criteria Version 2. Collection method: clinical testing. Allele origin: germline. Affected: yes. Observed: 3 variant alleles.
Comment: ENTPD7: BS1, BS2

Illumina Laboratory Services, Illumina
Classification: Uncertain significance for Leigh syndrome. Last evaluated: 2018-01-13. Review status: criteria provided, single submitter. Criteria: ICSL Variant Classification Criteria 13 December 2019. Collection method: clinical testing. Allele origin: germline.